The following is an entry in ClinVar:

NM_000069.3(CACNA1S):c.772G>A (p.Gly258Ser)

Gene: CACNA1S (calcium voltage-gated channel subunit alpha1 S; minus strand). Cytogenetic location: 1q32.1.
Variant type: single nucleotide variant.
Coding change: c.772G>A on transcript NM_000069.3 (MANE Select); coding-DNA position 772, G replaced by A.
Protein change: p.Gly258Ser; replaces glycine 258 with serine.
Molecular consequence: missense variant.
Genome position (GRCh38, 1-based): chr1:201,089,386, C>T on the plus strand (G>A on the coding strand, the complement: CACNA1S is on the minus strand). VCF-style: chr1-201089386-C-T. GRCh37 (hg19) VCF-style: chr1-201058514-C-T.
Other names: short protein forms G258S.
Identifiers: ClinVar variation 294773 (VCV000294773.14), dbSNP rs886045801, ClinGen allele CA10609362.
Genomic context (GRCh38, chr1:201,089,386, plus strand): 5'-AGTTGTCGAAGTGGGTGATGCCATGGTTGGGCCCTGGCCAGCCGCCCCGGCACTCACTGC[C>T]ATTGATGGTGCACCGGCGCCCTGAGCCCGTCCTGGCGCAGGGCGATGGCTCTTCATTCTC-3'
Protein context (NP_000060.2, residues 248-268): TGSGRRCTIN[Gly258Ser]SECRGGWPGP

ClinVar aggregate classification (germline): Uncertain significance. Review status: criteria provided, multiple submitters, no conflicts (2 of 4 stars). 9 submissions from 6 submitters: Uncertain significance (9). Last evaluated 2026-07-07.

Conditions:
Congenital myopathy 18. Also called: Myopathy, congenital, due to dihydropyridine receptor defect; DIHYDROPYRIDINE RECEPTOR CONGENITAL MYOPATHY; DHPR CONGENITAL MYOPATHY. Identifiers: MedGen C5830283, MONDO:0859514, OMIM 620246.
Inborn genetic diseases. Identifiers: MedGen C0950123, MeSH D030342.
Thyrotoxic periodic paralysis, susceptibility to, 1 (TTPP1). Identifiers: Orphanet 79102, MedGen C2749982, MONDO:0008570, OMIM 188580.
Malignant hyperthermia, susceptibility to, 5 (MHS5). Also called: CACNA1S-Related Malignant Hyperthermia Susceptibility. Identifiers: Orphanet 423, MedGen C1866077, MONDO:0011163, OMIM 601887.
Hypokalemic periodic paralysis, type 1. Also called: Hypokalemic Periodic Paralysis Type 1 (AD); HypoPP. Identifiers: Orphanet 681, MedGen C3714580, MONDO:0042979, OMIM 170400.

Allele frequency attached by ClinVar (database versions not stated): gnomAD exomes 0.00001; gnomAD 0.00002; TOPMed 0.00002.
gnomAD v4.1: 24 of 1,614,126 alleles (0.0015%); highest among the groups gnomAD compares: Non-Finnish European, 0.0019%; no homozygotes.

Submissions (9):

Ambry Genetics
Classification: Uncertain significance for Inborn genetic diseases. Last evaluated: 2026-07-07. Review status: criteria provided, single submitter. Criteria: Ambry Variant Classification Scheme 2023. Collection method: clinical testing. Allele origin: germline.
Comment: The p.G258S variant (also known as c.772G>A), located in coding exon 6 of the CACNA1S gene, results from a G to A substitution at nucleotide position 772. The glycine at codon 258 is replaced by serine, an amino acid with similar properties. This amino acid position is conserved. In addition, the in silico prediction for this alteration is inconclusive. Based on the available evidence, the clinical significance of this variant remains unclear.

Labcorp Genetics (formerly Invitae), Labcorp
Classification: Uncertain significance for Hypokalemic periodic paralysis, type 1; Malignant hyperthermia, susceptibility to, 5. Last evaluated: 2024-07-04. Review status: criteria provided, single submitter. Criteria: Invitae Variant Classification Sherloc (09022015). Collection method: clinical testing. Allele origin: germline.
Comment: This sequence change replaces glycine, which is neutral and non-polar, with serine, which is neutral and polar, at codon 258 of the CACNA1S protein (p.Gly258Ser). This variant is not present in population databases (gnomAD no frequency). This variant has not been reported in the literature in individuals affected with CACNA1S-related conditions. ClinVar contains an entry for this variant (Variation ID: 294773). Advanced modeling of protein sequence and biophysical properties (such as structural, functional, and spatial information, amino acid conservation, physicochemical variation, residue mobility, and thermodynamic stability) performed at Invitae indicates that this missense variant is not expected to disrupt CACNA1S protein function with a negative predictive value of 80%. In summary, the available evidence is currently insufficient to determine the role of this variant in disease. Therefore, it has been classified as a Variant of Uncertain Significance.

All of Us Research Program, National Institutes of Health
Classification: Uncertain significance for Malignant hyperthermia, susceptibility to, 5. Last evaluated: 2024-06-11. Review status: criteria provided, single submitter. Criteria: ACMG Guidelines, 2015. Collection method: clinical testing. Allele origin: germline. Inheritance: Autosomal dominant inheritance. Observed: 6 variant alleles, 6 heterozygotes.
Comment: This missense variant replaces glycine with serine at codon 258 of the CACNA1S protein. Computational prediction suggests that this variant may have deleterious impact on protein structure and function (internally defined REVEL score threshold >= 0.7, PMID: 27666373). To our knowledge, functional studies have not been reported for this variant. This variant has not been reported in individuals affected with CACNA1S-related disorders in the literature. This variant has not been identified in the general population by the Genome Aggregation Database (gnomAD). The available evidence is insufficient to determine the role of this variant in disease conclusively. Therefore, this variant is classified as a Variant of Uncertain Significance.

This study involves interpretation of variants in research participants for the purpose of population health screening. Participant phenotype was not available at the time of variant classification. Additional details can be found in publication PMID: 35346344, PMCID: PMC8962531

Fulgent Genetics
Classification: Uncertain significance for Hypokalemic periodic paralysis, type 1; Thyrotoxic periodic paralysis, susceptibility to, 1; Malignant hyperthermia, susceptibility to, 5; Congenital myopathy 18. Last evaluated: 2024-04-25. Review status: criteria provided, single submitter. Criteria: ACMG Guidelines, 2015. Collection method: clinical testing. Allele origin: germline.

Color Diagnostics, LLC DBA Color Health
Classification: Uncertain significance for Malignant hyperthermia, susceptibility to, 5. Last evaluated: 2024-02-13. Review status: criteria provided, single submitter. Criteria: ACMG Guidelines, 2015. Collection method: clinical testing. Allele origin: germline.
Comment: This missense variant replaces glycine with serine at codon 258 of the CACNA1S protein. Computational prediction suggests that this variant may have deleterious impact on protein structure and function. To our knowledge, functional studies have not been reported for this variant. This variant has not been reported in individuals affected with CACNA1S-related disorders in the literature. This variant has not been identified in the general population by the Genome Aggregation Database (gnomAD). The available evidence is insufficient to determine the role of this variant in disease conclusively. Therefore, this variant is classified as a Variant of Uncertain Significance.

Genome-Nilou Lab
Classification: Uncertain significance for Malignant hyperthermia, susceptibility to, 5. Last evaluated: 2023-04-11. Review status: criteria provided, single submitter. Criteria: ACMG Guidelines, 2015. Collection method: clinical testing. Allele origin: germline. Affected: no.

Genome-Nilou Lab
Classification: Uncertain significance for Thyrotoxic periodic paralysis, susceptibility to, 1. Last evaluated: 2023-04-11. Review status: criteria provided, single submitter. Criteria: ACMG Guidelines, 2015. Collection method: clinical testing. Allele origin: germline. Affected: no.

Genome-Nilou Lab
Classification: Uncertain significance for Congenital myopathy 18. Last evaluated: 2023-04-11. Review status: criteria provided, single submitter. Criteria: ACMG Guidelines, 2015. Collection method: clinical testing. Allele origin: germline. Affected: no.

Genome-Nilou Lab
Classification: Uncertain significance for Hypokalemic periodic paralysis, type 1. Last evaluated: 2023-04-11. Review status: criteria provided, single submitter. Criteria: ACMG Guidelines, 2015. Collection method: clinical testing. Allele origin: germline. Affected: no.